The following is an entry in ClinVar:

ClinVar aggregate classification (germline): Likely pathogenic (1 of 4 stars; one submission).

Conditions:
Charcot-Marie-Tooth disease type 4. Also called: Charcot-Marie-Tooth, Type 4; Charcot-Marie-Tooth disease, type IV. Identifiers: Orphanet 64749, MedGen C4082197, MONDO:0018995.

Allele frequency attached by ClinVar (database versions not stated): gnomAD exomes below 0.00001.
gnomAD v4.1: 1 of 1,486,980 alleles (0.000067%); highest among the groups gnomAD compares: South Asian, 0.0012%; no homozygotes.

Submission:

Labcorp Genetics (formerly Invitae), Labcorp
Classification: Likely pathogenic for Charcot-Marie-Tooth disease type 4. Last evaluated: 2025-01-23. Review status: criteria provided, single submitter. Criteria: Invitae Variant Classification Sherloc (09022015). Collection method: clinical testing. Allele origin: germline.
Comment: This sequence change affects an acceptor splice site in intron 16 of the FIG4 gene. It is expected to disrupt RNA splicing. Variants that disrupt the donor or acceptor splice site typically lead to a loss of protein function (PMID: 16199547), and loss-of-function variants in FIG4 are known to be pathogenic (PMID: 23623387, 30740813). This variant is not present in population databases (gnomAD no frequency). This variant has not been reported in the literature in individuals affected with FIG4-related conditions. ClinVar contains an entry for this variant (Variation ID: 936986). Algorithms developed to predict the effect of sequence changes on RNA splicing suggest that this variant may disrupt the consensus splice site. In summary, the currently available evidence indicates that the variant is pathogenic, but additional data are needed to prove that conclusively. Therefore, this variant has been classified as Likely Pathogenic.

Literature cited by the submitters: PubMed 16199547; PubMed 23623387; PubMed 30740813.

NM_014845.6(FIG4):c.1890-2A>G

Gene: FIG4 (FIG4 phosphoinositide 5-phosphatase; plus strand). Cytogenetic location: 6q21.
Variant type: single nucleotide variant.
Coding change: c.1890-2A>G on transcript NM_014845.6 (MANE Select); the canonical splice acceptor site of the intron before coding-DNA position 1890, A replaced by G.
Molecular consequence: splice acceptor variant.
Genome position (GRCh38, 1-based): chr6:109,784,968, A>G. VCF-style: chr6-109784968-A-G. GRCh37 (hg19) VCF-style: chr6-110106171-A-G.
Identifiers: ClinVar variation 936986 (VCV000936986.8), dbSNP rs1777909965, ClinGen allele CA365231534.
Genomic context (GRCh38, chr6:109,784,968, plus strand): 5'-TAAATTTTAGAAAACCAACATTTACATTTGGTTCATCTTTTTTTTTAATTTTTATTTTAT[A>G]GTTATACTTACTGGTGGACACCAGAGGTGATAAAGCATTTACCATTGCCCTATGATGAAG-3'